The following is an entry in ClinVar:

NM_020533.3(MCOLN1):c.589C>A (p.Pro197Thr)

Gene: MCOLN1 (mucolipin TRP cation channel 1; plus strand). Cytogenetic location: 19p13.2.
Variant type: single nucleotide variant.
Coding change: c.589C>A on transcript NM_020533.3 (MANE Select); coding-DNA position 589, C replaced by A.
Protein change: p.Pro197Thr; replaces proline 197 with threonine.
Molecular consequence: missense variant.
Genome position (GRCh38, 1-based): chr19:7,527,537, C>A. VCF-style: chr19-7527537-C-A. GRCh37 (hg19) VCF-style: chr19-7592423-C-A.
Other names: short protein forms P197T.
Identifiers: ClinVar variation 569030 (VCV000569030.6), dbSNP rs145706318, ClinGen allele CA304853325.

ClinVar aggregate classification (germline): Uncertain significance (1 of 4 stars; one submission).

Conditions:
Mucolipidosis type IV (ML4). Also called: ML IV. Identifiers: Orphanet 578, MedGen C0238286, MONDO:0009653, OMIM 252650.

gnomAD v4.1: 4 of 1,535,678 alleles (0.00026%); highest among the groups gnomAD compares: Non-Finnish European, 0.00036%; no homozygotes.

Submission:

Labcorp Genetics (formerly Invitae), Labcorp
Classification: Uncertain significance for Mucolipidosis type IV. Last evaluated: 2021-08-24. Review status: criteria provided, single submitter. Criteria: Invitae Variant Classification Sherloc (09022015). Collection method: clinical testing. Allele origin: germline.
Comment: This sequence change replaces proline with threonine at codon 197 of the MCOLN1 protein (p.Pro197Thr). The proline residue is highly conserved and there is a small physicochemical difference between proline and threonine. This variant is not present in population databases (ExAC no frequency). This variant has not been reported in the literature in individuals affected with MCOLN1-related conditions. Algorithms developed to predict the effect of missense changes on protein structure and function are either unavailable or do not agree on the potential impact of this missense change (SIFT: "Tolerated"; PolyPhen-2: "Probably Damaging"; Align-GVGD: "Class C0"). In summary, the available evidence is currently insufficient to determine the role of this variant in disease. Therefore, it has been classified as a Variant of Uncertain Significance.